The following is an entry in ClinVar:

NM_002528.7(NTHL1):c.350C>A (p.Pro117Gln)

Gene: NTHL1 (nth like DNA glycosylase 1; minus strand). Cytogenetic location: 16p13.3.
Variant type: single nucleotide variant.
Coding change: c.350C>A on transcript NM_002528.7 (MANE Select); coding-DNA position 350, C replaced by A.
Protein change: p.Pro117Gln; replaces proline 117 with glutamine.
Molecular consequence: missense variant. On other transcripts: intron variant (1).
Genome position (GRCh38, 1-based): chr16:2,046,132, G>T on the plus strand (C>A on the coding strand, the complement: NTHL1 is on the minus strand). VCF-style: chr16-2046132-G-T. GRCh37 (hg19) VCF-style: chr16-2096133-G-T.
Other names: c.350C>A, p.Pro117Gln (NM_001318193.2); c.24+148C>A (NM_001318194.2); short protein forms P117Q.
Identifiers: ClinVar variation 856602 (VCV000856602.13), dbSNP rs777263711, ClinGen allele CA7828311.

ClinVar aggregate classification (germline): Uncertain significance. Review status: criteria provided, multiple submitters, no conflicts (2 of 4 stars). 4 submissions from 4 submitters: Uncertain significance (4). Last evaluated 2025-10-21.

Conditions:
Familial adenomatous polyposis 3. Also called: NTHL1-related attenuated familial adenomatous polyposis; NTHL1-Related Adenomatous Polyposis and Colorectal Cancer; NTHL1-associated polyposis; NTHL1 Tumor Syndrome. Identifiers: Orphanet 220460, Orphanet 454840, MedGen C4225157, MONDO:0014630, OMIM 616415.
Hereditary cancer-predisposing syndrome. Also called: Neoplastic Syndromes, Hereditary; Hereditary neoplastic syndrome; Tumor predisposition; Hereditary Cancer Syndrome. Identifiers: Orphanet 140162, MedGen C0027672, MeSH D009386, MONDO:0015356.

gnomAD v4.1: 9 of 1,611,088 alleles (0.00056%); highest among the groups gnomAD compares: East Asian, 0.0022%; no homozygotes.

Submissions (4):

Labcorp Genetics (formerly Invitae), Labcorp
Classification: Uncertain significance. Last evaluated: 2025-10-21. Review status: criteria provided, single submitter. Criteria: Invitae Variant Classification Sherloc (09022015). Collection method: clinical testing. Allele origin: germline.
Comment: This sequence change replaces proline, which is neutral and non-polar, with glutamine, which is neutral and polar, at codon 125 of the NTHL1 protein (p.Pro125Gln). This variant is present in population databases (rs777263711, gnomAD 0.006%). This variant has not been reported in the literature in individuals affected with NTHL1-related conditions. ClinVar contains an entry for this variant (Variation ID: 856602). An algorithm developed to predict the effect of missense changes on protein structure and function (PolyPhen-2) suggests that this variant is likely to be disruptive. In summary, the available evidence is currently insufficient to determine the role of this variant in disease. Therefore, it has been classified as a Variant of Uncertain Significance.

Ambry Genetics
Classification: Uncertain significance for Hereditary cancer-predisposing syndrome. Last evaluated: 2025-08-20. Review status: criteria provided, single submitter. Criteria: Ambry Variant Classification Scheme 2023. Collection method: clinical testing. Allele origin: germline.
Comment: The p.P125Q variant (also known as c.374C>A), located in coding exon 2 of the NTHL1 gene, results from a C to A substitution at nucleotide position 374. The proline at codon 125 is replaced by glutamine, an amino acid with similar properties. This amino acid position is well conserved in available vertebrate species. In addition, the in silico prediction for this alteration is inconclusive. Since supporting evidence is limited at this time, the clinical significance of this alteration remains unclear.

Baylor Genetics
Classification: Uncertain significance for Familial adenomatous polyposis 3. Last evaluated: 2024-03-29. Review status: criteria provided, single submitter. Criteria: ACMG Guidelines, 2015. Collection method: clinical testing. Allele origin: unknown.

GeneDx
Classification: Uncertain significance. Last evaluated: 2023-01-17. Review status: criteria provided, single submitter. Criteria: GeneDx Variant Classification Process June 2021. Collection method: clinical testing. Allele origin: germline. Affected: yes.
Comment: Not observed at significant frequency in large population cohorts (gnomAD); In silico analysis supports that this missense variant has a deleterious effect on protein structure/function; Has not been previously published as pathogenic or benign to our knowledge; This variant is associated with the following publications: (PMID: 27397505)